The following is an entry in ClinVar:

ClinVar aggregate classification (germline): Conflicting classifications of pathogenicity. Review status: criteria provided, conflicting classifications (1 of 4 stars). 5 submissions from 5 submitters: Uncertain significance (1); Benign (1); Likely benign (3). Last evaluated 2025-10-24.

Conditions:
Classic or attenuated familial adenomatous polyposis. Identifiers: MedGen CN372698, MONDO:0021057.
Hereditary cancer-predisposing syndrome. Also called: Neoplastic Syndromes, Hereditary; Tumor predisposition; Hereditary Cancer Syndrome; Hereditary neoplastic syndrome. Identifiers: Orphanet 140162, MedGen C0027672, MeSH D009386, MONDO:0015356.
Familial adenomatous polyposis 1 (FAP1). Also called: POLYPOSIS, ADENOMATOUS INTESTINAL; FAMILIAL ADENOMATOUS POLYPOSIS 1, ATTENUATED. Identifiers: MedGen C2713442, MONDO:0021056, OMIM 175100. Disease mechanism: loss of function.

Submissions (5):

Labcorp Genetics (formerly Invitae), Labcorp
Classification: Likely benign for Familial adenomatous polyposis 1. Last evaluated: 2025-10-24. Review status: criteria provided, single submitter. Criteria: Invitae Variant Classification Sherloc (09022015). Collection method: clinical testing. Allele origin: germline.

Myriad Genetics, Inc.
Classification: Benign for Familial adenomatous polyposis 1. Last evaluated: 2024-03-25. Review status: criteria provided, single submitter. Criteria: Myriad Autosomal Dominant, Autosomal Recessive and X-Linked Classification Criteria (2023). Collection method: clinical testing. Allele origin: unknown.
Comment: This variant is considered benign. This variant is a silent/synonymous amino acid change and it is not expected to impact splicing.

All of Us Research Program, National Institutes of Health
Classification: Uncertain significance for Classic or attenuated familial adenomatous polyposis. Last evaluated: 2023-02-24. Review status: criteria provided, single submitter. Criteria: ACMG Guidelines, 2015. Collection method: clinical testing. Allele origin: germline. Inheritance: Autosomal dominant inheritance. Observed: 1 variant allele, 1 heterozygote.
Comment: This variant is located in the APC protein. To our knowledge, functional studies have not been reported for this variant. This variant has not been reported in individuals affected with APC-related disorders in the literature. This variant has not been identified in the general population by the Genome Aggregation Database (gnomAD). The available evidence is insufficient to determine the role of this variant in disease conclusively. Therefore, this variant is classified as a Variant of Uncertain Significance.

This study involves interpretation of variants in research participants for the purpose of population health screening. Participant phenotype was not available at the time of variant classification. Additional details can be found in publication PMID: 35346344, PMCID: PMC8962531

Ambry Genetics
Classification: Likely benign for Hereditary cancer-predisposing syndrome. Last evaluated: 2022-12-24. Review status: criteria provided, single submitter. Criteria: Ambry Variant Classification Scheme 2023. Collection method: clinical testing. Allele origin: germline.

CeGaT Center for Human Genetics Tuebingen
Classification: Likely benign. Last evaluated: 2021-04-01. Review status: criteria provided, single submitter. Criteria: CeGaT Center For Human Genetics Tuebingen Variant Classification Criteria Version 2. Collection method: clinical testing. Allele origin: germline. Affected: yes. Observed: 1 variant allele.

NM_000038.6(APC):c.3960G>A (p.Val1320=)

Gene: APC (APC regulator of Wnt signaling pathway; plus strand). Cytogenetic location: 5q22.2.
Variant type: single nucleotide variant.
Coding change: c.3960G>A on transcript NM_000038.6 (MANE Select); coding-DNA position 3960, G replaced by A.
Protein change: p.Val1320=; no amino-acid change (valine 1320 retained).
Molecular consequence: synonymous variant.
Genome position (GRCh38, 1-based): chr5:112,839,554, G>A. VCF-style: chr5-112839554-G-A. GRCh37 (hg19) VCF-style: chr5-112175251-G-A.
Other names: c.3960G>A, p.Val1320= (NM_001127510.3, NM_001354895.2); c.3906G>A, p.Val1302= (NM_001127511.3); c.4014G>A, p.Val1338= (NM_001354896.2); c.3990G>A, p.Val1330= (NM_001354897.2); c.3885G>A, p.Val1295= (NM_001354898.2); c.3876G>A, p.Val1292= (NM_001354899.2); c.3837G>A, p.Val1279= (NM_001354900.2); c.3783G>A, p.Val1261= (NM_001354901.2); and 5 more.
Identifiers: ClinVar variation 704763 (VCV000704763.45), dbSNP rs987999780, ClinGen allele CA445963953.